The following is an entry in ClinVar:

ClinVar aggregate classification (germline): Uncertain significance. Review status: criteria provided, multiple submitters, no conflicts (2 of 4 stars). 4 submissions from 4 submitters: Uncertain significance (4). Last evaluated 2025-10-15.

Conditions:
Hereditary cancer-predisposing syndrome. Also called: Hereditary Cancer Syndrome; Neoplastic Syndromes, Hereditary; Tumor predisposition; Hereditary neoplastic syndrome. Identifiers: Orphanet 140162, MedGen C0027672, MeSH D009386, MONDO:0015356.
Neuroblastoma, susceptibility to, 3. Also called: ALK-Related Neuroblastic Tumor Susceptibility. Identifiers: Orphanet 635, MedGen C2751681, MONDO:0013083, OMIM 613014.

Allele frequency attached by ClinVar (database versions not stated): gnomAD 0.00001; gnomAD exomes 0.00001; TOPMed 0.00001.
gnomAD v4.1: 18 of 1,610,900 alleles (0.0011%); highest among the groups gnomAD compares: Non-Finnish European, 0.0014%; no homozygotes.

Submissions (4):

Labcorp Genetics (formerly Invitae), Labcorp
Classification: Uncertain significance for Neuroblastoma, susceptibility to, 3. Last evaluated: 2025-10-15. Review status: criteria provided, single submitter. Criteria: Invitae Variant Classification Sherloc (09022015). Collection method: clinical testing. Allele origin: germline.
Comment: This sequence change replaces leucine, which is neutral and non-polar, with arginine, which is basic and polar, at codon 44 of the ALK protein (p.Leu44Arg). This variant is present in population databases (no rsID available, gnomAD 0.003%). This variant has not been reported in the literature in individuals affected with ALK-related conditions. ClinVar contains an entry for this variant (Variation ID: 639239). An algorithm developed to predict the effect of missense changes on protein structure and function (PolyPhen-2) suggests that this variant is likely to be disruptive. In summary, the available evidence is currently insufficient to determine the role of this variant in disease. Therefore, it has been classified as a Variant of Uncertain Significance.

Ambry Genetics
Classification: Uncertain significance for Hereditary cancer-predisposing syndrome. Last evaluated: 2024-03-12. Review status: criteria provided, single submitter. Criteria: Ambry Variant Classification Scheme 2023. Collection method: clinical testing. Allele origin: germline.
Comment: The p.L44R variant (also known as c.131T>G), located in coding exon 1 of the ALK gene, results from a T to G substitution at nucleotide position 131. The leucine at codon 44 is replaced by arginine, an amino acid with dissimilar properties. This amino acid position is conserved. In addition, the in silico prediction for this alteration is inconclusive. Since supporting evidence is limited at this time, the clinical significance of this alteration remains unclear.

Fulgent Genetics
Classification: Uncertain significance for Neuroblastoma, susceptibility to, 3. Last evaluated: 2024-03-05. Review status: criteria provided, single submitter. Criteria: ACMG Guidelines, 2015. Collection method: clinical testing. Allele origin: germline.

GeneDx
Classification: Uncertain significance. Last evaluated: 2021-05-06. Review status: criteria provided, single submitter. Criteria: GeneDx Variant Classification Process June 2021. Collection method: clinical testing. Allele origin: germline. Affected: yes.
Comment: Not observed at a significant frequency in large population cohorts (Lek et al., 2016); In silico analysis supports that this missense variant does not alter protein structure/function; Has not been previously published as pathogenic or benign to our knowledge

NM_004304.5(ALK):c.131T>G (p.Leu44Arg)

Gene: ALK (ALK receptor tyrosine kinase; minus strand). Cytogenetic location: 2p23.1.
Variant type: single nucleotide variant.
Coding change: c.131T>G on transcript NM_004304.5 (MANE Select); coding-DNA position 131, T replaced by G.
Protein change: p.Leu44Arg; replaces leucine 44 with arginine.
Molecular consequence: missense variant.
Genome position (GRCh38, 1-based): chr2:29,920,529, A>C on the plus strand (T>G on the coding strand, the complement: ALK is on the minus strand). VCF-style: chr2-29920529-A-C. GRCh37 (hg19) VCF-style: chr2-30143395-A-C.
Other names: short protein forms L44R.
Identifiers: ClinVar variation 639239 (VCV000639239.15), dbSNP rs1304641292, ClinGen allele CA16040184.